The following is an entry in ClinVar:

NM_016239.4(MYO15A):c.8209A>T (p.Met2737Leu)

Gene: MYO15A (myosin XVA; plus strand). Cytogenetic location: 17p11.2.
Variant type: single nucleotide variant.
Coding change: c.8209A>T on transcript NM_016239.4 (MANE Select); coding-DNA position 8209, A replaced by T.
Protein change: p.Met2737Leu; replaces methionine 2737 with leucine.
Molecular consequence: missense variant.
Genome position (GRCh38, 1-based): chr17:18,154,740, A>T. VCF-style: chr17-18154740-A-T. GRCh37 (hg19) VCF-style: chr17-18058054-A-T.
Other names: short protein forms M2737L.
Identifiers: ClinVar variation 4686253 (VCV004686253.1).

ClinVar aggregate classification (germline): Uncertain significance (1 of 4 stars; one submission).

Submission:

GeneDx
Classification: Uncertain significance. Last evaluated: 2025-07-14. Review status: criteria provided, single submitter. Criteria: GeneDx Variant Classification Process June 2021. Collection method: clinical testing. Allele origin: germline. Affected: yes.
Comment: Not observed at significant frequency in large population cohorts (gnomAD); In silico analysis supports a deleterious effect on splicing; In silico analysis suggests that this missense variant does not alter protein structure/function; Has not been previously published as pathogenic or benign to our knowledge